The following is an entry in ClinVar:

ClinVar aggregate classification (germline): Uncertain significance (1 of 4 stars; one submission).

Conditions:
Saldino-Mainzer syndrome (SRTD9). Also called: CONORENAL SYNDROME; Renal dysplasia, retinal pigmentary dystrophy, cerebellar ataxia and skeletal dysplasia; SHORT-RIB THORACIC DYSPLASIA 9 WITHOUT POLYDACTYLY; short-rib thoracic dysplasia 9 with or without polydactyly. Identifiers: Orphanet 140969, MedGen C1849437, MONDO:0009964, OMIM 266920.

Allele frequency attached by ClinVar (database versions not stated): gnomAD exomes below 0.00001; ExAC 0.00001.
gnomAD v4.1: 3 of 1,614,208 alleles (0.00019%); highest among the groups gnomAD compares: South Asian, 0.0011%; no homozygotes.

Submission:

Labcorp Genetics (formerly Invitae), Labcorp
Classification: Uncertain significance for Saldino-Mainzer syndrome. Last evaluated: 2024-02-24. Review status: criteria provided, single submitter. Criteria: Invitae Variant Classification Sherloc (09022015). Collection method: clinical testing. Allele origin: germline.
Comment: This sequence change replaces lysine, which is basic and polar, with arginine, which is basic and polar, at codon 187 of the IFT140 protein (p.Lys187Arg). This variant is present in population databases (rs756417017, gnomAD 0.003%). This variant has not been reported in the literature in individuals affected with IFT140-related conditions. ClinVar contains an entry for this variant (Variation ID: 1376701). Advanced modeling of protein sequence and biophysical properties (such as structural, functional, and spatial information, amino acid conservation, physicochemical variation, residue mobility, and thermodynamic stability) performed at Invitae indicates that this missense variant is not expected to disrupt IFT140 protein function with a negative predictive value of 95%. In summary, the available evidence is currently insufficient to determine the role of this variant in disease. Therefore, it has been classified as a Variant of Uncertain Significance.

NM_014714.4(IFT140):c.560A>G (p.Lys187Arg)

Genes: IFT140 (intraflagellar transport 140; minus strand), LOC105371046 (uncharacterized LOC105371046; plus strand). Cytogenetic location: 16p13.3.
Variant type: single nucleotide variant.
Coding change: c.560A>G on transcript NM_014714.4 (MANE Select); coding-DNA position 560, A replaced by G.
Protein change: p.Lys187Arg; replaces lysine 187 with arginine.
Molecular consequence: missense variant.
Genome position (GRCh38, 1-based): chr16:1,592,250, T>C on the plus strand (A>G on the coding strand, the complement: IFT140 is on the minus strand). VCF-style: chr16-1592250-T-C. GRCh37 (hg19) VCF-style: chr16-1642251-T-C.
Other names: short protein forms K187R.
Identifiers: ClinVar variation 1376701 (VCV001376701.8), dbSNP rs756417017, ClinGen allele CA7814659.